The following is an entry in ClinVar:

NM_014159.7(SETD2):c.3422C>T (p.Pro1141Leu)

Gene: SETD2 (SET domain containing 2, histone lysine methyltransferase; minus strand). Cytogenetic location: 3p21.31.
Variant type: single nucleotide variant.
Coding change: c.3422C>T on transcript NM_014159.7 (MANE Select); coding-DNA position 3422, C replaced by T.
Protein change: p.Pro1141Leu; replaces proline 1141 with leucine.
Molecular consequence: missense variant. On other transcripts: non-coding transcript variant (1).
Genome position (GRCh38, 1-based): chr3:47,121,214, G>A on the plus strand (C>T on the coding strand, the complement: SETD2 is on the minus strand). VCF-style: chr3-47121214-G-A. GRCh37 (hg19) VCF-style: chr3-47162704-G-A.
Other names: c.3290C>T, p.Pro1097Leu (NM_001349370.3); short protein forms P1141L, P1097L.
Identifiers: ClinVar variation 475512 (VCV000475512.43), dbSNP rs142723093, ClinGen allele CA2363387.
Genomic context (GRCh38, chr3:47,121,214, plus strand): 5'-GAAAGTTCAGGCAGGCGATTATCTATTTGTTTTCTACTGGACTGTGTAAAAGAAATTTCC[G>A]GATTCTTCTCTGTTCCTTTATGAAGGAAAAACTTATCAGTTTGAGGACAGGCTTTACTTG-3'
Protein context (NP_054878.5, residues 1131-1151): FFLHKGTEKN[Pro1141Leu]EISFTQSSRK

ClinVar aggregate classification (germline): Benign/Likely benign. Review status: criteria provided, multiple submitters, no conflicts (2 of 4 stars). 9 submissions from 9 submitters: Benign (2); Likely benign (4). 3 of the submissions do not count toward it. Last evaluated 2026-01-15.

Conditions:
Inborn genetic diseases. Identifiers: MedGen C0950123, MeSH D030342.
Luscan-Lumish syndrome. Identifiers: Orphanet 597738, MedGen C4085873, MONDO:0014791, OMIM 616831.
SETD2-related disorder.

Allele frequency attached by ClinVar (database versions not stated): 1000 Genomes Project 30x 0.00031; 1000 Genomes Project 0.00040; ExAC 0.00067; gnomAD exomes 0.00072 and 0.00106; TOPMed 0.00083; gnomAD 0.00086 and 0.00088; ESP Exome Variant Server 0.00108.
gnomAD v4.1: 1,649 of 1,613,986 alleles (0.1%); highest among the groups gnomAD compares: Non-Finnish European, 0.13%; 1 homozygote.

Submissions (9):

Labcorp Genetics (formerly Invitae), Labcorp
Classification: Likely benign for Luscan-Lumish syndrome. Last evaluated: 2026-01-15. Review status: criteria provided, single submitter. Criteria: Invitae Variant Classification Sherloc (09022015). Collection method: clinical testing. Allele origin: germline.

CeGaT Center for Human Genetics Tuebingen
Classification: Likely benign. Last evaluated: 2025-06-01. Review status: criteria provided, single submitter. Criteria: CeGaT Center For Human Genetics Tuebingen Variant Classification Criteria Version 2. Collection method: clinical testing. Allele origin: germline. Affected: yes. Observed: 4 variant alleles.
Comment: SETD2: BP4, BS1

Genome-Nilou Lab
Classification: Benign for Luscan-Lumish syndrome. Last evaluated: 2022-03-15. Review status: criteria provided, single submitter. Criteria: ACMG Guidelines, 2015. Collection method: clinical testing. Allele origin: germline. Affected: no.

Ambry Genetics
Classification: Likely benign for Inborn genetic diseases. Last evaluated: 2021-07-26. Review status: criteria provided, single submitter. Criteria: Ambry Variant Classification Scheme 2023. Collection method: clinical testing. Allele origin: germline.

GeneDx
Classification: Benign. Last evaluated: 2020-07-13. Review status: criteria provided, single submitter. Criteria: GeneDx Variant Classification Process June 2021. Collection method: clinical testing. Allele origin: germline. Affected: yes.

Breakthrough Genomics
Classification: Likely benign. Review status: criteria provided, single submitter. Criteria: ACMG Guidelines, 2015. Collection method: not provided. Allele origin: germline. Inheritance: Autosomal dominant inheritance. Affected: yes.

PreventionGenetics, part of Exact Sciences
Classification: Likely benign for SETD2-related condition. Last evaluated: 2020-03-16. Review status: no assertion criteria provided. Collection method: clinical testing. Allele origin: germline. Not counted in ClinVar's aggregate classification.
Comment: This variant is classified as likely benign based on ACMG/AMP sequence variant interpretation guidelines (Richards et al. 2015 PMID: 25741868, with internal and published modifications).

Clinical Genetics DNA and cytogenetics Diagnostics Lab, Erasmus MC, Erasmus Medical Center
Classification: Likely benign. Review status: no assertion criteria provided. Collection method: clinical testing. Allele origin: germline. Affected: yes. Study: VKGL Data-share Consensus. Not counted in ClinVar's aggregate classification.

Laboratory of Diagnostic Genome Analysis, Leiden University Medical Center (LUMC)
Classification: Likely benign. Review status: no assertion criteria provided. Collection method: clinical testing. Allele origin: germline. Affected: yes. Study: VKGL Data-share Consensus. Not counted in ClinVar's aggregate classification.